The following is an entry in ClinVar:

ClinVar aggregate classification (germline): Likely pathogenic. Review status: criteria provided, multiple submitters, no conflicts (2 of 4 stars). 2 submissions from 2 submitters: Likely pathogenic (2). Last evaluated 2025-01-21.

Conditions:
Cystinuria (CSNU). Also called: Cystinuria, non-type I; CYSTINURIA, TYPE I; CYSTINURIA, TYPE II; CYSTINURIA, TYPE III. Identifiers: Orphanet 214, MedGen C0010691, MONDO:0009067, OMIM 220100, HP:0003131.

Allele frequency attached by ClinVar (database versions not stated): gnomAD exomes below 0.00001; ExAC 0.00001.

Submissions (2):

3billion
Classification: Likely pathogenic for Cystinuria. Last evaluated: 2025-01-21. Review status: criteria provided, single submitter. Criteria: ACMG Guidelines, 2015. Collection method: clinical testing. Allele origin: germline. Affected: yes.
Comment: The variant is observed at an extremely low frequency in the gnomAD v4.1.0 dataset (total allele frequency: <0.001%). Predicted Consequence/Location: Frameshift: predicted to result in a loss or disruption of normal protein function through protein truncation. The predicted truncated protein may be shortened by more than 10%. The variant has been reported to be in trans with a pathogenic variant as either compound heterozygous or homozygous in at least one similarly affected unrelated individual (PMID: 10620184 /3billion dataset). The variant has been reported to be associated with SLC3A1-related disorder (ClinVar ID: VCV002444102 /PMID: 10620184 /3billion dataset). Therefore, this variant is classified as Likely pathogenic according to the recommendation of ACMG/AMP guideline.

Juno Genomics, Hangzhou Juno Genomics, Inc
Classification: Likely pathogenic for Cystinuria. Review status: criteria provided, single submitter. Criteria: ACMG Guidelines, 2015. Collection method: clinical testing. Allele origin: germline.
Comment: Absent from controls (or at extremely low frequency if recessive) in Genome Aggregation Database.;Null variant in a gene where loss of function (LOF) is a known mechanism of disease.;For recessive disorders, detected in trans with a pathogenic variant.;Patient's phenotype or family history is highly specific for a disease with a single genetic etiology.

Literature cited by the submitters: PubMed 10620184 (cited by 3billion).

NM_000341.4(SLC3A1):c.1820del (p.Leu607fs)

Genes: PREPL (prolyl endopeptidase like; minus strand), SLC3A1 (solute carrier family 3 member 1; plus strand). Cytogenetic location: 2p21.
Variant type: Deletion.
Coding change: c.1820del on transcript NM_000341.4 (MANE Select); coding-DNA position 1820, one base deleted (T; older notation c.1820delT).
Protein change: p.Leu607fs; shifts the reading frame from leucine 607.
Molecular consequence: frameshift variant. On other transcripts: 3 prime UTR variant (10).
Genome position (GRCh38, 1-based): chr2:44,320,401, T deleted. VCF-style (leftmost placement, unchanged base first): chr2-44320400-CT-C. GRCh37 (hg19) VCF-style: chr2-44547539-CT-C.
Other names: c.*955del (NM_001042385.2, NM_001042386.2, NM_001171603.1 and 7 more transcripts); short protein forms L607fs.
Identifiers: ClinVar variation 2444102 (VCV002444102.4), dbSNP rs761211666, ClinGen allele CA1640767.
Genomic context (GRCh38, chr2:44,320,400, plus strand): 5'-GATGGCATCGACAGAATCTTTATCGTGGTTCTGAATTTTGGAGAATCAACACTGTTAAAT[CT>C]ACATAATATGATTTCGGGCCTTCCCGCTAAAATGAGAATAAGGTTAAGTACCAATTCTGC-3'